The following is an entry in ClinVar:

NM_001625.4(AK2):c.545C>A (p.Ala182Asp)

Gene: AK2 (adenylate kinase 2; minus strand). Cytogenetic location: 1p35.1.
Variant type: single nucleotide variant.
Coding change: c.545C>A on transcript NM_001625.4 (MANE Select); coding-DNA position 545, C replaced by A.
Protein change: p.Ala182Asp; replaces alanine 182 with aspartic acid.
Molecular consequence: missense variant. On other transcripts: 3 prime UTR variant (1), non-coding transcript variant (1).
Genome position (GRCh38, 1-based): chr1:33,013,356, G>T on the plus strand (C>A on the coding strand, the complement: AK2 is on the minus strand). VCF-style: chr1-33013356-G-T. GRCh37 (hg19) VCF-style: chr1-33478957-G-T.
Other names: c.521C>A, p.Ala174Asp (NM_001199199.3); c.401C>A, p.Ala134Asp (NM_001319139.3, NM_001319140.2); c.545C>A, p.Ala182Asp (NM_001319141.3, NM_013411.5); c.419C>A, p.Ala140Asp (NM_001319142.3); c.*48C>A (NM_001319143.2); c.545C>A (NM_013411.4); short protein forms A182D, A134D, A140D, A174D.
Identifiers: ClinVar variation 190980 (VCV000190980.6), dbSNP rs559947967, ClinGen allele CA235742.

ClinVar aggregate classification (germline): Pathogenic/Likely pathogenic. Review status: criteria provided, multiple submitters, no conflicts (2 of 4 stars). 5 submissions from 4 submitters: Pathogenic (2); Likely pathogenic (1). 2 of the submissions do not count toward it. Last evaluated 2024-03-23.

Conditions:
AK2-related disorder. Also called: AK2-related condition.
Reticular dysgenesis. Also called: ALEUKOCYTOSIS; CONGENITAL ALEUKIA; HEMATOPOIETIC HYPOPLASIA, GENERALIZED; RETICULAR DYSGENESIA; SEVERE COMBINED IMMUNODEFICIENCY WITH LEUKOPENIA; DeVaal disease. Identifiers: Orphanet 33355, MedGen C0272167, MONDO:0009973, OMIM 267500.

Allele frequency attached by ClinVar (database versions not stated): TOPMed below 0.00001.

Submissions (5):

Genomic Medicine Center of Excellence, King Faisal Specialist Hospital and Research Centre
Classification: Pathogenic for Reticular dysgenesis. Last evaluated: 2024-03-23. Review status: criteria provided, single submitter. Criteria: ACMG Guidelines, 2015. Collection method: clinical testing. Allele origin: germline.

Baylor Genetics
Classification: Pathogenic for Reticular dysgenesis. Last evaluated: 2019-11-27. Review status: criteria provided, single submitter. Criteria: ACMG Guidelines, 2015. Collection method: clinical testing. Allele origin: unknown. Affected: yes.
Comment: This variant was determined to be pathogenic according to ACMG Guidelines, 2015 [PMID:25741868].

Blueprint Genetics
Classification: Likely pathogenic for AK2-related disorders. Last evaluated: 2018-06-11. Review status: criteria provided, single submitter. Criteria: ACMG Guidelines, 2015. Collection method: clinical testing. Allele origin: germline. Affected: yes. Observed: 2 variant alleles.

Biochemical Molecular Genetic Laboratory, King Abdulaziz Medical City
Classification: Pathogenic for Reticular dysgenesis. Last evaluated: 2020-11-12. Review status: no assertion criteria provided. Collection method: clinical testing. Allele origin: germline. Affected: yes. Not counted in ClinVar's aggregate classification.

Genomic Medicine Center of Excellence, King Faisal Specialist Hospital and Research Centre
Classification: Likely pathogenic. Review status: flagged submission. Criteria: ACMG Guidelines, 2015. Collection method: research. Allele origin: germline. Affected: yes. Not counted in ClinVar's aggregate classification.
ClinVar note: Reason: This record appears to be redundant with a more recent record from the same submitter.
ClinVar note: Notes: SCV000221347 appears to be redundant with SCV004807887.